The following is an entry in ClinVar:

NM_004260.4(RECQL4):c.511C>T (p.Arg171Trp)

Gene: RECQL4 (RecQ like helicase 4; minus strand). Cytogenetic location: 8q24.3.
Variant type: single nucleotide variant.
Coding change: c.511C>T on transcript NM_004260.4 (MANE Select); coding-DNA position 511, C replaced by T.
Protein change: p.Arg171Trp; replaces arginine 171 with tryptophan.
Molecular consequence: missense variant.
Genome position (GRCh38, 1-based): chr8:144,516,608, G>A on the plus strand (C>T on the coding strand, the complement: RECQL4 is on the minus strand). VCF-style: chr8-144516608-G-A. GRCh37 (hg19) VCF-style: chr8-145741992-G-A.
Other names: short protein forms R171W.
Identifiers: ClinVar variation 407019 (VCV000407019.12), dbSNP rs775651175, ClinGen allele CA4949266.

ClinVar aggregate classification (germline): Uncertain significance. Review status: criteria provided, multiple submitters, no conflicts (2 of 4 stars). 3 submissions from 3 submitters: Uncertain significance (3). Last evaluated 2026-01-10.

Conditions:
RECQL4-related disorder. Also called: RECQL4-related condition; RECQL4-related disorders.
Baller-Gerold syndrome (BGS). Also called: CRANIOSYNOSTOSIS WITH RADIAL DEFECTS. Identifiers: Orphanet 1225, MedGen C0265308, MONDO:0009039, OMIM 218600.

Allele frequency attached by ClinVar (database versions not stated): gnomAD 0.00002 and 0.00003; gnomAD exomes 0.00002; ExAC 0.00003; TOPMed 0.00004.
gnomAD v4.1: 22 of 1,610,584 alleles (0.0014%); highest among the groups gnomAD compares: African/African-American, 0.0053%; no homozygotes.

Submissions (3):

Labcorp Genetics (formerly Invitae), Labcorp
Classification: Uncertain significance for Baller-Gerold syndrome. Last evaluated: 2026-01-10. Review status: criteria provided, single submitter. Criteria: Invitae Variant Classification Sherloc (09022015). Collection method: clinical testing. Allele origin: germline.
Comment: This sequence change replaces arginine, which is basic and polar, with tryptophan, which is neutral and slightly polar, at codon 171 of the RECQL4 protein (p.Arg171Trp). This variant is present in population databases (rs775651175, gnomAD 0.006%). This missense change has been observed in individual(s) with breast cancer (PMID: 28076423). ClinVar contains an entry for this variant (Variation ID: 407019). Invitae Evidence Modeling of protein sequence and biophysical properties (such as structural, functional, and spatial information, amino acid conservation, physicochemical variation, residue mobility, and thermodynamic stability) indicates that this missense variant is expected to disrupt RECQL4 protein function with a positive predictive value of 80%. In summary, the available evidence is currently insufficient to determine the role of this variant in disease. Therefore, it has been classified as a Variant of Uncertain Significance.

PreventionGenetics, part of Exact Sciences
Classification: Uncertain significance for RECQL4-related condition. Last evaluated: 2022-09-14. Review status: criteria provided, single submitter. Criteria: ACMG Guidelines, 2015. Collection method: clinical testing. Allele origin: germline.
Comment: The RECQL4 c.511C>T variant is predicted to result in the amino acid substitution p.Arg171Trp. This variant has been reported in an individual with breast cancer and was also observed in this individual's unaffected family members (S2 Table, Kim et al. 2017. PubMed ID: 28076423). This variant is reported in 0.0058% of alleles in individuals of Latino descent in gnomAD and is interpreted as uncertain significance in ClinVar. At this time, the clinical significance of this variant is uncertain due to the absence of conclusive functional and genetic evidence.

Institute for Clinical Genetics, University Hospital TU Dresden, University Hospital TU Dresden
Classification: Uncertain significance. Last evaluated: 2021-11-03. Review status: criteria provided, single submitter. Criteria: ACMG Guidelines, 2015. Collection method: clinical testing. Allele origin: germline.

Literature cited by the submitters: PubMed 28076423 (cited by Labcorp Genetics (formerly Invitae), Labcorp).